The following is an entry in ClinVar:

NM_004415.4(DSP):c.5821A>G (p.Lys1941Glu)

Gene: DSP (desmoplakin; plus strand). Cytogenetic location: 6p24.3.
Variant type: single nucleotide variant.
Coding change: c.5821A>G on transcript NM_004415.4 (MANE Select); coding-DNA position 5821, A replaced by G.
Protein change: p.Lys1941Glu; replaces lysine 1941 with glutamic acid.
Molecular consequence: missense variant.
Genome position (GRCh38, 1-based): chr6:7,583,083, A>G. VCF-style: chr6-7583083-A-G. GRCh37 (hg19) VCF-style: chr6-7583316-A-G.
Other names: p.K1941E:AAA>GAA; c.4024A>G, p.Lys1342Glu (NM_001008844.3); c.4492A>G, p.Lys1498Glu (NM_001319034.2); c.5821A>G (LRG_423t1); short protein forms K1941E, K1498E, K1342E.
Identifiers: ClinVar variation 199894 (VCV000199894.5), dbSNP rs794728127, ClinGen allele CA006629.
Genomic context (GRCh38, chr6:7,583,083, plus strand): 5'-ACCAGGGAGACACAGTCACAGTTAGAAACAGAACGCTCCCGATATCAGAGGGAGATTGAT[A>G]AACTCAGACAGCGCCCATATGGGTCCCATCGAGAGACCCAGACTGAGTGTGAGTGGACCG-3'
Protein context (NP_004406.2, residues 1931-1951): ERSRYQREID[Lys1941Glu]LRQRPYGSHR

ClinVar aggregate classification (germline): Uncertain significance. Review status: criteria provided, multiple submitters, no conflicts (2 of 4 stars). 2 submissions from 2 submitters: Uncertain significance (2). Last evaluated 2024-08-21.

Conditions:
Arrhythmogenic cardiomyopathy with wooly hair and keratoderma. Also called: Carvajal syndrome; Dilated cardiomyopathy with woolly hair and keratoderma; Arrhythmogenic cardiomyopathy with woolly hair and keratoderma; PALMOPLANTAR KERATODERMA WITH LEFT VENTRICULAR CARDIOMYOPATHY AND WOOLLY HAIR. Identifiers: Orphanet 65282, MedGen C1854063, MONDO:0011581, OMIM 605676.
Arrhythmogenic right ventricular dysplasia 8 (ARVD8). Also called: Arrhythmogenic Right Ventricular Dysplasia/Cardiomyopathy 8; ARRHYTHMOGENIC RIGHT VENTRICULAR CARDIOMYOPATHY 8; ARRHYTHMOGENIC RIGHT VENTRICULAR DYSPLASIA, FAMILIAL, 8. Identifiers: MedGen C1843896, MONDO:0011831, OMIM 607450.

Submissions (2):

Labcorp Genetics (formerly Invitae), Labcorp
Classification: Uncertain significance for Arrhythmogenic cardiomyopathy with wooly hair and keratoderma; Arrhythmogenic right ventricular dysplasia 8. Last evaluated: 2024-08-21. Review status: criteria provided, single submitter. Criteria: Invitae Variant Classification Sherloc (09022015). Collection method: clinical testing. Allele origin: germline.
Comment: This sequence change replaces lysine, which is basic and polar, with glutamic acid, which is acidic and polar, at codon 1941 of the DSP protein (p.Lys1941Glu). This variant is not present in population databases (gnomAD no frequency). This variant has not been reported in the literature in individuals affected with DSP-related conditions. ClinVar contains an entry for this variant (Variation ID: 199894). An algorithm developed to predict the effect of missense changes on protein structure and function (PolyPhen-2) suggests that this variant is likely to be tolerated. In summary, the available evidence is currently insufficient to determine the role of this variant in disease. Therefore, it has been classified as a Variant of Uncertain Significance.

GeneDx
Classification: Uncertain significance. Last evaluated: 2014-05-15. Review status: criteria provided, single submitter. Criteria: GeneDx Variant Classification (06012015). Collection method: clinical testing. Allele origin: germline. Affected: yes.
Comment: p.Lys1941Glu (AAA>GAA): c.5821 A>G in exon 24 of the DSP gene (NM_004415.2). A variant of unknown significance has been identified in the DSP gene. The K1941E variant has not been published as a mutation or as a benign polymorphism to our knowledge. The K1941E variant was not observed in approximately 6,500 individuals of European and African American ancestry in the NHLBI Exome Sequencing Project, indicating it is not a common benign variant in these populations. The K1941E variant is a non-conservative amino acid substitution, which is likely to impact secondary protein structure as these residues differ in polarity, charge, size and/or other properties. This substitution occurs at a position that is class conserved across species. Nevertheless, in silico analysis predicts this variant likely does not alter the protein structure/function. Furthermore, no missense mutations in nearby residues have been reported in association with ARVC, indicating this region of the protein may be tolerant of change.Therefore, based on the currently available information, it is unclear whether this variant is a pathogenic mutation or a rare benign variant. The variant is found in CARDIOMYOPATHY panel(s).